The following is an entry in ClinVar:

NM_032806.6(POMGNT2):c.1660A>G (p.Thr554Ala)

Gene: POMGNT2 (protein O-linked mannose N-acetylglucosaminyltransferase 2 (beta 1,4-); minus strand). Cytogenetic location: 3p22.1.
Variant type: single nucleotide variant.
Coding change: c.1660A>G on transcript NM_032806.6 (MANE Select); coding-DNA position 1660, A replaced by G.
Protein change: p.Thr554Ala; replaces threonine 554 with alanine.
Molecular consequence: missense variant.
Genome position (GRCh38, 1-based): chr3:43,079,772, T>C on the plus strand (A>G on the coding strand, the complement: POMGNT2 is on the minus strand). VCF-style: chr3-43079772-T-C. GRCh37 (hg19) VCF-style: chr3-43121264-T-C.
Other names: c.1660A>G (NM_032806.4); short protein forms T554A.
Identifiers: ClinVar variation 540491 (VCV000540491.4), dbSNP rs202058055, ClinGen allele CA2339811.
Genomic context (GRCh38, chr3:43,079,772, plus strand): 5'-CTGCAAAGGGTCCCAGGAGGATCTTGTTGAAGATGCAGCGGACCCACACCAGGTAGGTGG[T>C]GAAGGGCTTGATGTTCTCAGTGAAGGTGTGGTTCTGCAGAGCCAGGATGTAAGGCACGTA-3'
Protein context (NP_116195.2, residues 544-564): HTFTENIKPF[Thr554Ala]TYLVWVRCIF

ClinVar aggregate classification (germline): Uncertain significance. Review status: criteria provided, multiple submitters, no conflicts (2 of 4 stars). 3 submissions from 3 submitters: Uncertain significance (3). Last evaluated 2025-05-29.

Conditions:
Inborn genetic diseases. Identifiers: MedGen C0950123, MeSH D030342.
Muscular dystrophy-dystroglycanopathy (congenital with brain and eye anomalies), type a, 8 (MDDGA8). Also called: WALKER-WARBURG SYNDROME OR MUSCLE-EYE-BRAIN DISEASE, GTDC2-RELATED. Identifiers: Orphanet 899, MedGen C3553813, MONDO:0013904, OMIM 614830.

Allele frequency attached by ClinVar (database versions not stated): TOPMed 0.00004; ExAC 0.00001; gnomAD exomes 0.00002 and 0.00007; gnomAD 0.00003 and 0.00004.

Submissions (3):

Ambry Genetics
Classification: Uncertain significance for Inborn genetic diseases. Last evaluated: 2025-05-29. Review status: criteria provided, single submitter. Criteria: Ambry Variant Classification Scheme 2023. Collection method: clinical testing. Allele origin: germline.

GeneDx
Classification: Uncertain significance. Last evaluated: 2022-11-01. Review status: criteria provided, single submitter. Criteria: GeneDx Variant Classification Process June 2021. Collection method: clinical testing. Allele origin: germline. Affected: yes.
Comment: Not observed at significant frequency in large population cohorts (gnomAD); In silico analysis supports that this missense variant does not alter protein structure/function; Has not been previously published as pathogenic or benign to our knowledge

Labcorp Genetics (formerly Invitae), Labcorp
Classification: Uncertain significance for Muscular dystrophy-dystroglycanopathy (congenital with brain and eye anomalies), type a, 8. Last evaluated: 2022-07-06. Review status: criteria provided, single submitter. Criteria: Invitae Variant Classification Sherloc (09022015). Collection method: clinical testing. Allele origin: germline.
Comment: This sequence change replaces threonine, which is neutral and polar, with alanine, which is neutral and non-polar, at codon 554 of the POMGNT2 protein (p.Thr554Ala). This variant is present in population databases (rs202058055, gnomAD 0.004%). This variant has not been reported in the literature in individuals affected with POMGNT2-related conditions. ClinVar contains an entry for this variant (Variation ID: 540491). Algorithms developed to predict the effect of missense changes on protein structure and function (SIFT, PolyPhen-2, Align-GVGD) all suggest that this variant is likely to be disruptive. In summary, the available evidence is currently insufficient to determine the role of this variant in disease. Therefore, it has been classified as a Variant of Uncertain Significance.